The following is an entry in ClinVar:

ClinVar aggregate classification (germline): Uncertain significance (1 of 4 stars; one submission).

Conditions:
Brachyolmia-amelogenesis imperfecta syndrome. Also called: PLATYSPONDYLY WITH AMELOGENESIS IMPERFECTA; Tooth agenesis, selective, 6; Dental anomalies and short stature. Identifiers: Orphanet 2899, MedGen C1832594, MONDO:0011018, OMIM 601216. Disease mechanism: loss of function.

gnomAD v4.1: 4 of 1,517,908 alleles (0.00026%); highest among the groups gnomAD compares: Middle Eastern, 0.018%; no homozygotes.

Submission:

Labcorp Genetics (formerly Invitae), Labcorp
Classification: Uncertain significance for Brachyolmia-amelogenesis imperfecta syndrome. Last evaluated: 2025-12-01. Review status: criteria provided, single submitter. Criteria: Invitae Variant Classification Sherloc (09022015). Collection method: clinical testing. Allele origin: germline.
Comment: This sequence change replaces valine, which is neutral and non-polar, with methionine, which is neutral and non-polar, at codon 1137 of the LTBP3 protein (p.Val1137Met). The frequency data for this variant in the population databases is considered unreliable, as metrics indicate poor data quality at this position in the gnomAD database. This variant has not been reported in the literature in individuals affected with LTBP3-related conditions. ClinVar contains an entry for this variant (Variation ID: 3668140). An algorithm developed to predict the effect of missense changes on protein structure and function (PolyPhen-2) suggests that this variant is likely to be disruptive. In summary, the available evidence is currently insufficient to determine the role of this variant in disease. Therefore, it has been classified as a Variant of Uncertain Significance.

NM_001130144.3(LTBP3):c.3409G>A (p.Val1137Met)

Gene: LTBP3 (latent transforming growth factor beta binding protein 3; minus strand). Cytogenetic location: 11q13.1.
Variant type: single nucleotide variant.
Coding change: c.3409G>A on transcript NM_001130144.3 (MANE Select); coding-DNA position 3409, G replaced by A.
Protein change: p.Val1137Met; replaces valine 1137 with methionine.
Molecular consequence: missense variant.
Genome position (GRCh38, 1-based): chr11:65,539,858, C>T on the plus strand (G>A on the coding strand, the complement: LTBP3 is on the minus strand). VCF-style: chr11-65539858-C-T. GRCh37 (hg19) VCF-style: chr11-65307329-C-T.
Other names: c.2917G>A, p.Val973Met (NM_001164266.1); c.3268G>A, p.Val1090Met (NM_021070.4); short protein forms V1137M, V973M, V1090M.
Identifiers: ClinVar variation 3668140 (VCV003668140.2).
Genomic context (GRCh38, chr11:65,539,858, plus strand): 5'-GGGCAGGCCCGGCCAGGGGGCCAGCGCACATGCCGTCCTCTCCGCGCTGGCTCCAGCACA[C>T]GTCGCGCCGCTCCGGGGCACGCTCTGCGGAAGACACCTGGCATCAGGGGAGGGGCCCAAG-3'
Protein context (NP_001123616.1, residues 1127-1147): PAERAPERRD[Val1137Met]CWSQRGEDGM